The following is an entry in ClinVar:

ClinVar aggregate classification (germline): Benign/Likely benign. Review status: criteria provided, multiple submitters, no conflicts (2 of 4 stars). 11 submissions from 10 submitters: Benign (1); Likely benign (8). 2 of the submissions do not count toward it. Last evaluated 2026-05-01.

Conditions:
Connective tissue disorder. Also called: Connective tissue disease. Identifiers: MedGen C0009782, MONDO:0003900.
Fibrochondrogenesis 1 (FBCG1). Identifiers: Orphanet 2021, MedGen C3278138, MONDO:0009226, OMIM 228520.
Stickler syndrome type 2 (STL2). Also called: STICKLER SYNDROME, BEADED VITREOUS TYPE; STICKLER SYNDROME, VITREOUS TYPE 2; COL11A1-Related Stickler Syndrome; STICKLER SYNDROME, TYPE II. Identifiers: Orphanet 828, Orphanet 90654, MedGen C1858084, MONDO:0011493, OMIM 604841.

Allele frequency attached by ClinVar (database versions not stated): gnomAD exomes 0.00031 and 0.00053; ExAC 0.00054; gnomAD 0.00177 and 0.00188; ESP Exome Variant Server 0.00185; TOPMed 0.00198; 1000 Genomes Project 30x 0.00265; 1000 Genomes Project 0.00280.
gnomAD v4.1: 773 of 1,613,080 alleles (0.048%); highest among the groups gnomAD compares: African/African-American, 0.61%; 3 homozygotes.

Submissions (11):

CeGaT Center for Human Genetics Tuebingen
Classification: Likely benign. Last evaluated: 2026-05-01. Review status: criteria provided, single submitter. Criteria: CeGaT Center For Human Genetics Tuebingen Variant Classification Criteria Version 2. Collection method: clinical testing. Allele origin: germline. Affected: yes. Observed: 5 variant alleles.
Comment: COL11A1: BP4

Labcorp Genetics (formerly Invitae), Labcorp
Classification: Likely benign. Last evaluated: 2026-02-02. Review status: criteria provided, single submitter. Criteria: Invitae Variant Classification Sherloc (09022015). Collection method: clinical testing. Allele origin: germline.

Blueprint Genetics
Classification: Likely benign. Last evaluated: 2024-11-11. Review status: criteria provided, single submitter. Criteria: ACMG Guidelines, 2015. Collection method: clinical testing. Allele origin: germline.

GeneDx
Classification: Likely benign. Last evaluated: 2021-06-12. Review status: criteria provided, single submitter. Criteria: GeneDx Variant Classification Process June 2021. Collection method: clinical testing. Allele origin: germline. Affected: yes.

Genome Diagnostics Laboratory, The Hospital for Sick Children
Classification: Likely benign for Connective tissue disorder. Last evaluated: 2020-09-11. Review status: criteria provided, single submitter. Criteria: ACMG Guidelines, 2015. Collection method: clinical testing. Allele origin: germline.

Illumina Laboratory Services, Illumina
Classification: Likely benign for Fibrochondrogenesis 1. Last evaluated: 2018-01-13. Review status: criteria provided, single submitter. Criteria: ICSL Variant Classification Criteria 13 December 2019. Collection method: clinical testing. Allele origin: germline.
Comment: This variant was observed in the ICSL laboratory as part of a predisposition screen in an ostensibly healthy population. It had not been previously curated by ICSL or reported in the Human Gene Mutation Database (HGMD: prior to June 1st, 2018), and was therefore a candidate for classification through an automated scoring system. Utilizing variant allele frequency, disease prevalence and penetrance estimates, and inheritance mode, an automated score was calculated to assess if this variant is too frequent to cause the disease. Based on the score and internal cut-off values, a variant classified as likely benign is not then subjected to further curation. The score for this variant resulted in a classification of likely benign for this disease.

Illumina Laboratory Services, Illumina
Classification: Likely benign for Stickler syndrome type 2. Last evaluated: 2018-01-13. Review status: criteria provided, single submitter. Criteria: ICSL Variant Classification Criteria 13 December 2019. Collection method: clinical testing. Allele origin: germline.
Comment: the same text as in the submission from Illumina Laboratory Services, Illumina above.

Eurofins Ntd Llc (ga)
Classification: Benign. Last evaluated: 2016-09-01. Review status: criteria provided, single submitter. Criteria: EGL Classification Definitions 2015. Collection method: clinical testing. Allele origin: germline. Observed: 1 variant allele, 1 heterozygote.

Breakthrough Genomics
Classification: Likely benign. Review status: criteria provided, single submitter. Criteria: ACMG Guidelines, 2015. Collection method: not provided. Allele origin: germline. Inheritance: Autosomal recessive inheritance. Affected: yes.

Clinical Genetics DNA and cytogenetics Diagnostics Lab, Erasmus MC, Erasmus Medical Center
Classification: Likely benign. Review status: no assertion criteria provided. Collection method: clinical testing. Allele origin: germline. Affected: yes. Study: VKGL Data-share Consensus. Not counted in ClinVar's aggregate classification.

Clinical Genetics, Academic Medical Center
Classification: Likely benign. Review status: no assertion criteria provided. Collection method: clinical testing. Allele origin: germline. Affected: yes. Study: VKGL Data-share Consensus. Not counted in ClinVar's aggregate classification.

NM_001854.4(COL11A1):c.3979-3T>C

Gene: COL11A1 (collagen type XI alpha 1 chain; minus strand). Cytogenetic location: 1p21.1.
Variant type: single nucleotide variant.
Coding change: c.3979-3T>C on transcript NM_001854.4 (MANE Select); 3 bases into the intron before coding-DNA position 3979, T replaced by C.
Molecular consequence: intron variant.
Genome position (GRCh38, 1-based): chr1:102,913,693, A>G on the plus strand (T>C on the coding strand, the complement: COL11A1 is on the minus strand). VCF-style: chr1-102913693-A-G. GRCh37 (hg19) VCF-style: chr1-103379249-A-G.
Other names: c.3862-3T>C (NM_001190709.2); c.4015-3T>C (NM_080629.3); c.3631-3T>C (NM_080630.4).
Identifiers: ClinVar variation 290834 (VCV000290834.45), dbSNP rs138464908, ClinGen allele CA973728.
Genomic context (GRCh38, chr1:102,913,693, plus strand): 5'-TCACCGGTTGACCAGGATCTCCATCTTCACCCTTGTCACCACCAACACCATCTTGACCCT[A>G]TAAGAGGCAATAAAATATGAAGCAAGATATATCTCAGTATCAATAAATCACACTACTTAT-3'